The following is an entry in ClinVar:

ClinVar aggregate classification (germline): Uncertain significance (1 of 4 stars; one submission).

Conditions:
Inborn genetic diseases. Identifiers: MedGen C0950123, MeSH D030342.

Submission:

Ambry Genetics
Classification: Uncertain significance for Inborn genetic diseases. Last evaluated: 2024-02-15. Review status: criteria provided, single submitter. Criteria: Ambry Variant Classification Scheme 2023. Collection method: clinical testing. Allele origin: germline.
Comment: The c.1029delC (p.H343Qfs*12) alteration, located in exon 11 (coding exon 8) of the NTRK2 gene, consists of a deletion of one nucleotide at position 1029, causing a translational frameshift with a predicted alternate stop codon after 12 amino acids. This alteration is expected to result in premature protein truncation or nonsense-mediated mRNA decay. However, loss of function of NTRK2 has not been established as a mechanism of disease. This variant was not reported in population-based cohorts in the Genome Aggregation Database (gnomAD). Based on insufficient or conflicting evidence, the clinical significance of this alteration remains unclear.

NM_006180.6(NTRK2):c.1029del (p.His343fs)

Gene: NTRK2 (neurotrophic receptor tyrosine kinase 2; plus strand). Cytogenetic location: 9q21.33.
Variant type: Deletion.
Coding change: c.1029del on transcript NM_006180.6 (MANE Select); coding-DNA position 1029, one base deleted (C; older notation c.1029delC).
Protein change: p.His343fs; shifts the reading frame from histidine 343.
Molecular consequence: frameshift variant.
Genome position (GRCh38, 1-based): chr9:84,727,829, C deleted. VCF-style (leftmost placement, unchanged base first): chr9-84727828-AC-A. GRCh37 (hg19) VCF-style: chr9-87342743-AC-A.
Other names: c.1029del, p.His343fs (NM_001007097.3, NM_001018064.3, NM_001018065.2 and 16 more transcripts); c.990del, p.His330fs (NM_001291937.2, NM_001369546.1); c.561del, p.His187fs (NM_001369535.1, NM_001369536.1, NM_001369550.1 and 2 more transcripts); c.1029delC, p.His343Glnfs (NM_001381928.1); short protein forms H343fs, H187fs, H330fs.
Identifiers: ClinVar variation 3202645 (VCV003202645.1), dbSNP rs2492234075, ClinGen allele CA2825001631.